The following is an entry in ClinVar:

ClinVar aggregate classification (germline): Uncertain significance (1 of 4 stars; one submission).

gnomAD v4.1: 5 of 1,613,968 alleles (0.00031%); highest among the groups gnomAD compares: Non-Finnish European, 0.00042%; no homozygotes.

Submission:

Labcorp Genetics (formerly Invitae), Labcorp
Classification: Uncertain significance. Last evaluated: 2024-03-20. Review status: criteria provided, single submitter. Criteria: Invitae Variant Classification Sherloc (09022015). Collection method: clinical testing. Allele origin: germline.
Comment: This sequence change replaces alanine, which is neutral and non-polar, with proline, which is neutral and non-polar, at codon 1030 of the RP1 protein (p.Ala1030Pro). This variant is not present in population databases (gnomAD no frequency). This variant has not been reported in the literature in individuals affected with RP1-related conditions. An algorithm developed to predict the effect of missense changes on protein structure and function (PolyPhen-2) suggests that this variant is likely to be disruptive. In summary, the available evidence is currently insufficient to determine the role of this variant in disease. Therefore, it has been classified as a Variant of Uncertain Significance.

NM_006269.2(RP1):c.3088G>C (p.Ala1030Pro)

Gene: RP1 (RP1 axonemal microtubule associated; plus strand). Cytogenetic location: 8q12.1.
Variant type: single nucleotide variant.
Coding change: c.3088G>C on transcript NM_006269.2 (MANE Select); coding-DNA position 3088, G replaced by C.
Protein change: p.Ala1030Pro; replaces alanine 1030 with proline.
Molecular consequence: missense variant. On other transcripts: intron variant (1).
Genome position (GRCh38, 1-based): chr8:54,626,970, G>C. VCF-style: chr8-54626970-G-C. GRCh37 (hg19) VCF-style: chr8-55539530-G-C.
Other names: c.787+4682G>C (NM_001375654.1); short protein forms A1030P.
Identifiers: ClinVar variation 3686593 (VCV003686593.2).